The following is an entry in ClinVar:

NM_001085487.3(MYSM1):c.285dup (p.Tyr96fs)

Gene: MYSM1 (Myb like, SWIRM and MPN domains 1; minus strand). Cytogenetic location: 1p32.1.
Variant type: Duplication.
Coding change: c.285dup on transcript NM_001085487.3 (MANE Select); coding-DNA position 285, one base duplicated (A; older notation c.285dupA).
Protein change: p.Tyr96fs; shifts the reading frame from tyrosine 96.
Molecular consequence: frameshift variant.
Genome position (GRCh38, 1-based): chr1:58,690,351, T duplicated on the plus strand (A on the coding strand, the reverse complement: MYSM1 is on the minus strand); the first of 6 consecutive T bases (chr1:58,690,351-58,690,356); duplicating any one gives the same sequence. VCF-style (leftmost placement, unchanged base first): chr1-58690350-A-AT. GRCh37 (hg19) VCF-style: chr1-59156022-A-AT.
Other names: short protein forms Y96fs.
Identifiers: ClinVar variation 2848915 (VCV002848915.3), dbSNP rs1038285646, ClinGen allele CA22879954.

ClinVar aggregate classification (germline): Pathogenic (1 of 4 stars; one submission).

Submission:

Labcorp Genetics (formerly Invitae), Labcorp
Classification: Pathogenic. Last evaluated: 2023-03-23. Review status: criteria provided, single submitter. Criteria: Invitae Variant Classification Sherloc (09022015). Collection method: clinical testing. Allele origin: germline.
Comment: This sequence change creates a premature translational stop signal (p.Tyr96Ilefs*35) in the MYSM1 gene. It is expected to result in an absent or disrupted protein product. Loss-of-function variants in MYSM1 are known to be pathogenic (PMID: 24288411, 28115216). This variant is not present in population databases (gnomAD no frequency). This variant has not been reported in the literature in individuals affected with MYSM1-related conditions. For these reasons, this variant has been classified as Pathogenic.

Literature cited by the submitters: PubMed 24288411; PubMed 28115216.